The following is an entry in ClinVar:

ClinVar aggregate classification (germline): Uncertain significance. Review status: criteria provided, multiple submitters, no conflicts (2 of 4 stars). 3 submissions from 3 submitters: Uncertain significance (3). Last evaluated 2025-08-11.

Conditions:
Congenital anomalies of kidney and urinary tract 2. Identifiers: Orphanet 2190, MedGen C5574705, MONDO:0027676, OMIM 143400.
Inborn genetic diseases. Identifiers: MedGen C0950123, MeSH D030342.

Allele frequency attached by ClinVar (database versions not stated): gnomAD exomes 0.00003; ExAC 0.00004; TOPMed 0.00012; gnomAD 0.00018; 1000 Genomes Project 0.00040; 1000 Genomes Project 30x 0.00062.
gnomAD v4.1: 70 of 1,605,080 alleles (0.0044%); highest among the groups gnomAD compares: African/African-American, 0.055%; no homozygotes.

Submissions (3):

Ambry Genetics
Classification: Uncertain significance for Inborn genetic diseases. Last evaluated: 2025-08-11. Review status: criteria provided, single submitter. Criteria: Ambry Variant Classification Scheme 2023. Collection method: clinical testing. Allele origin: germline.

Labcorp Genetics (formerly Invitae), Labcorp
Classification: Uncertain significance. Last evaluated: 2024-09-05. Review status: criteria provided, single submitter. Criteria: Invitae Variant Classification Sherloc (09022015). Collection method: clinical testing. Allele origin: germline.
Comment: This sequence change replaces histidine, which is basic and polar, with arginine, which is basic and polar, at codon 401 of the TBX18 protein (p.His401Arg). This variant is present in population databases (rs61733446, gnomAD 0.04%). This variant has not been reported in the literature in individuals affected with TBX18-related conditions. ClinVar contains an entry for this variant (Variation ID: 1928628). Invitae Evidence Modeling of protein sequence and biophysical properties (such as structural, functional, and spatial information, amino acid conservation, physicochemical variation, residue mobility, and thermodynamic stability) has been performed for this missense variant. However, the output from this modeling did not meet the statistical confidence thresholds required to predict the impact of this variant on TBX18 protein function. In summary, the available evidence is currently insufficient to determine the role of this variant in disease. Therefore, it has been classified as a Variant of Uncertain Significance.

Fulgent Genetics
Classification: Uncertain significance for Congenital anomalies of kidney and urinary tract 2. Last evaluated: 2024-01-19. Review status: criteria provided, single submitter. Criteria: ACMG Guidelines, 2015. Collection method: clinical testing. Allele origin: germline.

NM_001080508.3(TBX18):c.1202A>G (p.His401Arg)

Gene: TBX18 (T-box transcription factor 18; minus strand). Cytogenetic location: 6q14.3.
Variant type: single nucleotide variant.
Coding change: c.1202A>G on transcript NM_001080508.3 (MANE Select); coding-DNA position 1202, A replaced by G.
Protein change: p.His401Arg; replaces histidine 401 with arginine.
Molecular consequence: missense variant.
Genome position (GRCh38, 1-based): chr6:84,737,307, T>C on the plus strand (A>G on the coding strand, the complement: TBX18 is on the minus strand). VCF-style: chr6-84737307-T-C. GRCh37 (hg19) VCF-style: chr6-85447025-T-C.
Other names: c.1202A>G (NM_001080508.1); short protein forms H401R.
Identifiers: ClinVar variation 1928628 (VCV001928628.7), dbSNP rs61733446, ClinGen allele CA3910882.
Genomic context (GRCh38, chr6:84,737,307, plus strand): 5'-GCACAGGCAGAATAGTCAGCAGGGGCCAGACTACACAGCTGGCTGGTGTTGGGCCCCAGA[T>C]GGAAGGCAGGAGAGGAGCAAGAGGAGCCAGACAAAAGGTGAGGGTGAGTGGCAGGAACGC-3'
Protein context (NP_001073977.1, residues 391-411): SGSSCSSPAF[His401Arg]LGPNTSQLCS